The following is an entry in ClinVar:

NM_004304.5(ALK):c.4739G>T (p.Gly1580Val)

Gene: ALK (ALK receptor tyrosine kinase; minus strand). Cytogenetic location: 2p23.2.
Variant type: single nucleotide variant.
Coding change: c.4739G>T on transcript NM_004304.5 (MANE Select); coding-DNA position 4739, G replaced by T.
Protein change: p.Gly1580Val; replaces glycine 1580 with valine.
Molecular consequence: missense variant.
Genome position (GRCh38, 1-based): chr2:29,193,348, C>A on the plus strand (G>T on the coding strand, the complement: ALK is on the minus strand). VCF-style: chr2-29193348-C-A. GRCh37 (hg19) VCF-style: chr2-29416214-C-A.
Other names: c.1535G>T, p.Gly512Val (NM_001353765.2); short protein forms G1580V, G512V.
Identifiers: ClinVar variation 2821854 (VCV002821854.3), dbSNP rs2465872712, ClinGen allele CA346460348.

ClinVar aggregate classification (germline): Uncertain significance (1 of 4 stars; one submission).

Conditions:
Neuroblastoma, susceptibility to, 3. Also called: ALK-Related Neuroblastic Tumor Susceptibility. Identifiers: Orphanet 635, MedGen C2751681, MONDO:0013083, OMIM 613014.

Submission:

Labcorp Genetics (formerly Invitae), Labcorp
Classification: Uncertain significance for Neuroblastoma, susceptibility to, 3. Last evaluated: 2023-12-01. Review status: criteria provided, single submitter. Criteria: Invitae Variant Classification Sherloc (09022015). Collection method: clinical testing. Allele origin: germline.
Comment: This sequence change replaces glycine, which is neutral and non-polar, with valine, which is neutral and non-polar, at codon 1580 of the ALK protein (p.Gly1580Val). This variant is not present in population databases (gnomAD no frequency). This variant has not been reported in the literature in individuals affected with ALK-related conditions. An algorithm developed to predict the effect of missense changes on protein structure and function (PolyPhen-2) suggests that this variant is likely to be disruptive. In summary, the available evidence is currently insufficient to determine the role of this variant in disease. Therefore, it has been classified as a Variant of Uncertain Significance.